The following is an entry in ClinVar:

ClinVar aggregate classification (germline): Uncertain significance (1 of 4 stars; one submission).

Submission:

Greenwood Genetic Center Diagnostic Laboratories, Greenwood Genetic Center
Classification: Uncertain significance. Last evaluated: 2024-04-05. Review status: criteria provided, single submitter. Criteria: ACMG Guidelines, 2015. Collection method: clinical testing. Allele origin: germline. Affected: yes.
Comment: PM2

NM_001330360.2(POLA1):c.*503C>G

Gene: POLA1 (DNA polymerase alpha 1, catalytic subunit; plus strand). Cytogenetic location: Xp21.3.
Variant type: single nucleotide variant.
Coding change: c.*503C>G on transcript NM_001330360.2 (MANE Select); 503 bases downstream of the stop codon, C replaced by G.
Molecular consequence: 3 prime UTR variant. On other transcripts: non-coding transcript variant (2).
Genome position (GRCh38, 1-based): chrX:24,996,453, C>G. VCF-style: chrX-24996453-C-G. GRCh37 (hg19) VCF-style: chrX-25014570-C-G.
Other names: c.*503C>G (NM_001378303.1, NM_016937.4).
Identifiers: ClinVar variation 3338515 (VCV003338515.1).